The following is an entry in ClinVar:

NM_000030.3(AGXT):c.466G>A (p.Gly156Arg)

Gene: AGXT (alanine--glyoxylate aminotransferase; plus strand). Cytogenetic location: 2q37.3.
Variant type: single nucleotide variant.
Coding change: c.466G>A on transcript NM_000030.3 (MANE Select); coding-DNA position 466, G replaced by A.
Protein change: p.Gly156Arg; replaces glycine 156 with arginine.
Molecular consequence: missense variant.
Genome position (GRCh38, 1-based): chr2:240,871,391, G>A. VCF-style: chr2-240871391-G-A. GRCh37 (hg19) VCF-style: chr2-241810808-G-A.
Other names: AGXT, GLY158ARG; short protein forms G156R.
Identifiers: ClinVar variation 5650 (VCV000005650.22), dbSNP rs121908530, ClinGen allele CA340448.

ClinVar aggregate classification (germline): Pathogenic. Review status: criteria provided, multiple submitters, no conflicts (2 of 4 stars). 13 submissions from 13 submitters: Pathogenic (8). 5 of the submissions do not count toward it. Last evaluated 2026-02-24.

Conditions:
Primary hyperoxaluria. Identifiers: Orphanet 416, MedGen C0020501, MONDO:0002474.
Hyperoxaluria. Identifiers: MedGen C0020500, HP:0003159.
Primary hyperoxaluria, type I (HP1). Also called: GLYCOLIC ACIDURIA; HEPATIC AGT DEFICIENCY; OXALOSIS I; Primary hyperoxaluria type 1. Identifiers: Orphanet 416, Orphanet 93598, MedGen C0268164, MONDO:0009823, OMIM 259900. Disease mechanism: loss of function.

Allele frequency attached by ClinVar (database versions not stated): gnomAD 0.00002; gnomAD exomes 0.00003 and 0.00002; ExAC 0.00004; TOPMed 0.00001.

Submissions (13):

GeneDx
Classification: Pathogenic. Last evaluated: 2026-02-24. Review status: criteria provided, single submitter. Criteria: GeneDx Variant Classification Process June 2021. Collection method: clinical testing. Allele origin: germline.
Comment: Published functional studies demonstrated a damaging effect on protein function (PMID: 16971151); Not observed at significant frequency in large population cohorts (gnomAD); In silico analysis supports that this missense variant has a deleterious effect on protein structure/function; This variant is associated with the following publications: (PMID: 36703223, 37139236, 37306718, 29456205, 32556641, 35812297, 31589614, 31328266, 20301460, 17460142, 27935012, 10541294, 16095518, 27659337, 10453743, 23810941, 25629080, 35218550, 24988064, 17495019, 33721035, Ajzensztejn2007[paper], 38167091, 10394939, 16971151)

Natera, Inc.
Classification: Pathogenic for Primary hyperoxaluria type I. Last evaluated: 2025-11-06. Review status: criteria provided, single submitter. Criteria: Natera Variant Classification Schema (03/2026). Collection method: clinical testing. Allele origin: germline.
Comment: The c.466G>A variant in AGXT is a missense variant predicted to cause substitution of glycine to arginine at amino acid 156. This variant is rare in the general population with a frequency below the threshold expected for the associated phenotype(s). This variant has been observed in one or more individuals affected with the associated recessive disease, as either homozygous or compound heterozygous with a second variant (PMID: 23810941, 17460142). Computational prediction algorithms indicate this variant is likely to affect gene or protein function. Given the available evidence, this variant is classified as Pathogenic.

Revvity Omics, Revvity
Classification: Pathogenic for Primary hyperoxaluria, type I. Last evaluated: 2025-06-19. Review status: criteria provided, single submitter. Criteria: ACMG Guidelines, 2015. Collection method: clinical testing. Allele origin: germline.

3billion
Classification: Pathogenic for Primary hyperoxaluria, type I. Last evaluated: 2025-06-05. Review status: criteria provided, single submitter. Criteria: ACMG Guidelines, 2015. Collection method: clinical testing. Allele origin: germline. Affected: yes.
Comment: The variant is observed at an extremely low frequency in the gnomAD v4.1.0 dataset (total allele frequency: 0.001%). Predicted Consequence/Location: Missense variant In silico tool predictions suggest damaging effect of the variant on gene or gene product [REVEL: 0.92 (>=0.6, sensitivity 0.68 and specificity 0.92); 3Cnet: 0.88 (> 0.75, sensitivity 0.96 and precision 0.92)]. The same nucleotide change resulting in the same amino acid change has been previously reported as pathogenic/likely pathogenic with strong evidence (ClinVar ID: VCV000005650 /PMID: 36185032). The variant has been reported to be in trans with a pathogenic variant as either compound heterozygous or homozygous in at least one similarly affected unrelated individual (PMID: 23810941). Different missense changes at the same codon (p.Gly156Ala, p.Gly156Trp) have been reported as pathogenic/likely pathogenic with strong evidence (ClinVar ID: VCV001467244, VCV003586216). Therefore, this variant is classified as Pathogenic according to the recommendation of ACMG/AMP guideline.

Dubai Health Genomic Medicine Center, Dubai Health
Classification: Pathogenic for Hyperoxaluria. Last evaluated: 2024-10-04. Review status: criteria provided, single submitter. Criteria: ACMG Guidelines, 2015. Collection method: research. Allele origin: germline. Affected: yes.
Comment: PS3,PS1,PM3_VeryStrong,PM2,PM5

Labcorp Genetics (formerly Invitae), Labcorp
Classification: Pathogenic. Last evaluated: 2024-07-30. Review status: criteria provided, single submitter. Criteria: Invitae Variant Classification Sherloc (09022015). Collection method: clinical testing. Allele origin: germline.
Comment: This sequence change replaces glycine, which is neutral and non-polar, with arginine, which is basic and polar, at codon 156 of the AGXT protein (p.Gly156Arg). The frequency data for this variant in the population databases is considered unreliable, as metrics indicate poor data quality at this position in the gnomAD database. This missense change has been observed in individual(s) with hyperoxaluria (PMID: 17460142, 23810941, 27935012). ClinVar contains an entry for this variant (Variation ID: 5650). Advanced modeling of protein sequence and biophysical properties (such as structural, functional, and spatial information, amino acid conservation, physicochemical variation, residue mobility, and thermodynamic stability) performed at Invitae indicates that this missense variant is expected to disrupt AGXT protein function with a positive predictive value of 80%. Experimental studies have shown that this missense change affects AGXT function (PMID: 16971151, 17495019). Algorithms developed to predict the effect of sequence changes on RNA splicing suggest that this variant may disrupt the consensus splice site. For these reasons, this variant has been classified as Pathogenic.

Fulgent Genetics
Classification: Pathogenic for Primary hyperoxaluria, type I. Last evaluated: 2024-02-02. Review status: criteria provided, single submitter. Criteria: ACMG Guidelines, 2015. Collection method: clinical testing. Allele origin: germline.

Women's Health and Genetics/Laboratory Corporation of America, LabCorp
Classification: Pathogenic for Primary hyperoxaluria. Last evaluated: 2022-05-11. Review status: criteria provided, single submitter. Criteria: LabCorp Variant Classification Summary - May 2015. Collection method: clinical testing. Allele origin: germline.
Comment: Variant summary: AGXT c.466G>A (p.Gly156Arg) results in a non-conservative amino acid change located in the Aminotransferase class V domain (IPR000192) of the encoded protein sequence. Five of five in-silico tools predict a damaging effect of the variant on protein function. The variant allele was found at a frequency of 3.1e-05 in 226862 control chromosomes (gnomAD). c.466G>A has been reported in the literature in multiple individuals affected with Primary Hyperoxaluria Type 1 (e.g. Pirulli_1999, Monico_2007, Williams_2007, Nagara_2013). These data indicate that the variant is very likely to be associated with disease. Experimental evidence evaluating an impact on protein function demonstrated the variant to exhibit loss of activity, failure of dimerization and sensitivity to proteasomal degradation (Coulter-Mackie_2006, Williams_2007). Two ClinVar submitters (evaluation after 2014) cite the variant as pathogenic. Based on the evidence outlined above, the variant was classified as pathogenic.

Chinese Inherited Urolithiasis Consortium, The Affiliated Yantai Yuhuangding Hospital of Qingdao University
Classification: Pathogenic for Primary hyperoxaluria, type I. Last evaluated: 2024-08-26. Review status: no assertion criteria provided. Collection method: clinical testing. Allele origin: maternal. Affected: yes. Observed: 1 variant allele. Not counted in ClinVar's aggregate classification.

Counsyl
Classification: Pathogenic for Primary hyperoxaluria, type I. Last evaluated: 2016-01-14. Review status: no assertion criteria provided. Collection method: clinical testing. Allele origin: unknown. Not counted in ClinVar's aggregate classification.

Clinical Biochemistry Laboratory, Health Services Laboratory
Classification: Pathogenic for Primary hyperoxaluria, type I. Last evaluated: 2014-11-27. Review status: no assertion criteria provided. Collection method: in vitro. Allele origin: germline. Affected: yes. Not counted in ClinVar's aggregate classification.

OMIM
Classification: Pathogenic for HYPEROXALURIA, PRIMARY, TYPE I. Last evaluated: 1999-06-01. Review status: no assertion criteria provided. Collection method: literature only. Allele origin: germline. Not counted in ClinVar's aggregate classification.

GeneReviews
No classification provided. Condition: Primary hyperoxaluria, type I. Review status: no classification provided. Collection method: literature only. Allele origin: germline. Affected: yes. Not counted in ClinVar's aggregate classification.

Literature cited by the submitters: PubMed 23810941 (cited by 5 submitters); PubMed 17460142 (cited by 4 submitters); PubMed 36185032 (cited by 3billion); PubMed 27935012 (cited by Labcorp Genetics (formerly Invitae), Labcorp); PubMed 16971151 (cited by 3 submitters); PubMed 17495019 (cited by 4 submitters); PubMed 10453743 (cited by 3 submitters); PubMed 24988064 (cited by Counsyl); PubMed 10541294 (cited by Clinical Biochemistry Laboratory, Health Services Laboratory); NCBI Bookshelf NBK1283 (cited by GeneReviews).